The following is an entry in ClinVar:

NM_001401501.2(MUC16):c.43113T>C (p.Ser14371=)

Gene: MUC16 (mucin 16, cell surface associated; minus strand). Cytogenetic location: 19p13.2.
Variant type: single nucleotide variant.
Coding change: c.43113T>C on transcript NM_001401501.2 (MANE Select); coding-DNA position 43113, T replaced by C.
Protein change: p.Ser14371=; no amino-acid change (serine 14371 retained).
Molecular consequence: synonymous variant.
Genome position (GRCh38, 1-based): chr19:8,889,494, A>G on the plus strand (T>C on the coding strand, the complement: MUC16 is on the minus strand). VCF-style: chr19-8889494-A-G. GRCh37 (hg19) VCF-style: chr19-9000170-A-G.
Other names: c.43539T>C, p.Ser14513= (NM_001414686.1); c.42993T>C, p.Ser14331= (NM_001414687.1); c.40587T>C, p.Ser13529= (NM_024690.2).
Identifiers: ClinVar variation 3059823 (VCV003059823.2), dbSNP rs1160287047, ClinGen allele CA505284445.
Genomic context (GRCh38, chr19:8,889,494, plus strand): 5'-GCTCAGATCAGTCAGACTGGCTGTTCTCAGTTCTCACCTGAGCAAGGTCAGTCTGCAGCC[A>G]GAGTACAGAGGGCCAACACTGGTGTTCTTGAACACAGGCCTGAGCTGTGGAGGAGGGAGA-3'
Protein context (NP_001388430.1, residues 14361-14381): FKNTSVGPLY[Ser14371=]GCRLTLLRPK

ClinVar aggregate classification (germline): Likely benign (0 of 4 stars; one submission).

Conditions:
MUC16-related disorder. Also called: MUC16-related condition.

Submission:

PreventionGenetics, part of Exact Sciences
Classification: Likely benign for MUC16-related condition. Last evaluated: 2019-10-18. Review status: no assertion criteria provided. Collection method: clinical testing. Allele origin: germline.
Comment: This variant is classified as likely benign based on ACMG/AMP sequence variant interpretation guidelines (Richards et al. 2015 PMID: 25741868, with internal and published modifications).